The following is an entry in ClinVar:

ClinVar aggregate classification (germline): Uncertain significance. Review status: criteria provided, multiple submitters, no conflicts (2 of 4 stars). 2 submissions from 2 submitters: Uncertain significance (2). Last evaluated 2026-02-24.

Conditions:
Hereditary cancer-predisposing syndrome. Also called: Hereditary Cancer Syndrome; Neoplastic Syndromes, Hereditary; Tumor predisposition; Hereditary neoplastic syndrome. Identifiers: Orphanet 140162, MedGen C0027672, MeSH D009386, MONDO:0015356.
EGFR-related lung cancer (EGFR). Identifiers: MedGen CN130014.

gnomAD v4.1: 3 of 1,614,190 alleles (0.00019%); highest among the groups gnomAD compares: South Asian, 0.0022%; no homozygotes.

Submissions (2):

Ambry Genetics
Classification: Uncertain significance for Hereditary cancer-predisposing syndrome. Last evaluated: 2026-02-24. Review status: criteria provided, single submitter. Criteria: Ambry Variant Classification Scheme 2023. Collection method: clinical testing. Allele origin: germline.
Comment: The p.M600L variant (also known as c.1798A>T), located in coding exon 15 of the EGFR gene, results from an A to T substitution at nucleotide position 1798. The methionine at codon 600 is replaced by leucine, an amino acid with highly similar properties. This amino acid position is conserved. In addition, this alteration is predicted to be tolerated by in silico analysis. Based on the available evidence, the clinical significance of this variant remains unclear.

Labcorp Genetics (formerly Invitae), Labcorp
Classification: Uncertain significance for EGFR-related lung cancer. Last evaluated: 2023-07-10. Review status: criteria provided, single submitter. Criteria: Invitae Variant Classification Sherloc (09022015). Collection method: clinical testing. Allele origin: germline.
Comment: This sequence change replaces methionine, which is neutral and non-polar, with leucine, which is neutral and non-polar, at codon 600 of the EGFR protein (p.Met600Leu). This variant is present in population databases (rs746395542, gnomAD 0.003%). This variant has not been reported in the literature in individuals affected with EGFR-related conditions. ClinVar contains an entry for this variant (Variation ID: 1056142). Algorithms developed to predict the effect of missense changes on protein structure and function output the following: SIFT: "Not Available"; PolyPhen-2: "Benign"; Align-GVGD: "Not Available". The leucine amino acid residue is found in multiple mammalian species, which suggests that this missense change does not adversely affect protein function. In summary, the available evidence is currently insufficient to determine the role of this variant in disease. Therefore, it has been classified as a Variant of Uncertain Significance.

NM_005228.5(EGFR):c.1798A>T (p.Met600Leu)

Gene: EGFR (epidermal growth factor receptor; plus strand). Cytogenetic location: 7p11.2.
Variant type: single nucleotide variant.
Coding change: c.1798A>T on transcript NM_005228.5 (MANE Select); coding-DNA position 1798, A replaced by T.
Protein change: p.Met600Leu; replaces methionine 600 with leucine.
Molecular consequence: missense variant.
Genome position (GRCh38, 1-based): chr7:55,165,355, A>T. VCF-style: chr7-55165355-A-T. GRCh37 (hg19) VCF-style: chr7-55233048-A-T.
Other names: c.1798A>T (NM_005228.3); c.1663A>T, p.Met555Leu (NM_001346897.2, NM_001346899.2); c.1798A>T, p.Met600Leu (NM_001346898.2, NM_201282.2, NM_201284.2); c.1639A>T, p.Met547Leu (NM_001346900.2); c.997A>T, p.Met333Leu (NM_001346941.2); short protein forms M333L, M547L, M555L, M600L.
Identifiers: ClinVar variation 1056142 (VCV001056142.10), dbSNP rs746395542, ClinGen allele CA4265698.